The following is an entry in ClinVar:

NM_004984.4(KIF5A):c.2153G>A (p.Arg718Gln)

Gene: KIF5A (kinesin family member 5A; plus strand). Cytogenetic location: 12q13.3.
Variant type: single nucleotide variant.
Coding change: c.2153G>A on transcript NM_004984.4 (MANE Select); coding-DNA position 2153, G replaced by A.
Protein change: p.Arg718Gln; replaces arginine 718 with glutamine.
Molecular consequence: missense variant.
Genome position (GRCh38, 1-based): chr12:57,576,333, G>A. VCF-style: chr12-57576333-G-A. GRCh37 (hg19) VCF-style: chr12-57970116-G-A.
Other names: c.1886G>A, p.Arg629Gln (NM_001354705.2); c.2153G>A (NM_004984.2); short protein forms R629Q, R718Q.
Identifiers: ClinVar variation 2149122 (VCV002149122.6), dbSNP rs1162438120, ClinGen allele CA385511331.

ClinVar aggregate classification (germline): Uncertain significance. Review status: criteria provided, multiple submitters, no conflicts (2 of 4 stars). 3 submissions from 3 submitters: Uncertain significance (3). Last evaluated 2025-08-06.

Conditions:
Inborn genetic diseases. Identifiers: MedGen C0950123, MeSH D030342.
Spastic paraplegia. Identifiers: MedGen C0037772, HP:0001258.
Hereditary spastic paraplegia 10 (SPG10). Also called: SPASTIC PARAPLEGIA 10, AUTOSOMAL DOMINANT; SPASTIC PARAPLEGIA 10 WITH OR WITHOUT PERIPHERAL NEUROPATHY; SPASTIC PARAPLEGIA 10 WITH PERIPHERAL NEUROPATHY. Identifiers: Orphanet 100991, MedGen C1858712, MONDO:0011408, OMIM 604187.

Allele frequency attached by ClinVar (database versions not stated): gnomAD exomes 0.00001; TOPMed 0.00001.
gnomAD v4.1: 10 of 1,613,884 alleles (0.00062%); highest among the groups gnomAD compares: African/African-American, 0.0027%; no homozygotes.

Submissions (3):

Labcorp Genetics (formerly Invitae), Labcorp
Classification: Uncertain significance for Spastic paraplegia. Last evaluated: 2025-08-06. Review status: criteria provided, single submitter. Criteria: Invitae Variant Classification Sherloc (09022015). Collection method: clinical testing. Allele origin: germline.
Comment: This sequence change replaces arginine, which is basic and polar, with glutamine, which is neutral and polar, at codon 718 of the KIF5A protein (p.Arg718Gln). This variant is present in population databases (no rsID available, gnomAD 0.003%). This variant has not been reported in the literature in individuals affected with KIF5A-related conditions. ClinVar contains an entry for this variant (Variation ID: 2149122). Invitae Evidence Modeling of protein sequence and biophysical properties (such as structural, functional, and spatial information, amino acid conservation, physicochemical variation, residue mobility, and thermodynamic stability) has been performed for this missense variant. However, the output from this modeling did not meet the statistical confidence thresholds required to predict the impact of this variant on KIF5A protein function. In summary, the available evidence is currently insufficient to determine the role of this variant in disease. Therefore, it has been classified as a Variant of Uncertain Significance.

Ambry Genetics
Classification: Uncertain significance for Inborn genetic diseases. Last evaluated: 2024-11-11. Review status: criteria provided, single submitter. Criteria: Ambry Variant Classification Scheme 2023. Collection method: clinical testing. Allele origin: germline.

Genomic Medicine Center of Excellence, King Faisal Specialist Hospital and Research Centre
Classification: Uncertain significance for Hereditary spastic paraplegia 10. Last evaluated: 2024-09-22. Review status: criteria provided, single submitter. Criteria: ACMG Guidelines, 2015. Collection method: clinical testing. Allele origin: germline.